The following is an entry in ClinVar:

ClinVar aggregate classification (germline): Conflicting classifications of pathogenicity. Review status: criteria provided, conflicting classifications (1 of 4 stars). 2 submissions from 2 submitters: Uncertain significance (1); Likely benign (1). Last evaluated 2024-01-30.

Conditions:
Inborn genetic diseases. Identifiers: MedGen C0950123, MeSH D030342.

Allele frequency attached by ClinVar (database versions not stated): gnomAD 0.00001; gnomAD exomes 0.00001 and 0.00002; ExAC 0.00002; TOPMed 0.00002.
gnomAD v4.1: 20 of 1,613,936 alleles (0.0012%); highest among the groups gnomAD compares: Admixed American, 0.012%; no homozygotes.

Submissions (2):

Ambry Genetics
Classification: Likely benign for Inborn genetic diseases. Last evaluated: 2024-01-30. Review status: criteria provided, single submitter. Criteria: Ambry Variant Classification Scheme 2023. Collection method: clinical testing. Allele origin: germline.

Labcorp Genetics (formerly Invitae), Labcorp
Classification: Uncertain significance. Last evaluated: 2023-10-03. Review status: criteria provided, single submitter. Criteria: Invitae Variant Classification Sherloc (09022015). Collection method: clinical testing. Allele origin: germline.
Comment: This sequence change replaces alanine, which is neutral and non-polar, with threonine, which is neutral and polar, at codon 276 of the COL18A1 protein (p.Ala276Thr). This variant is present in population databases (rs780610411, gnomAD 0.01%). This variant has not been reported in the literature in individuals affected with COL18A1-related conditions. ClinVar contains an entry for this variant (Variation ID: 1520940). Experimental studies and prediction algorithms are not available or were not evaluated, and the functional significance of this variant is currently unknown. In summary, the available evidence is currently insufficient to determine the role of this variant in disease. Therefore, it has been classified as a Variant of Uncertain Significance.

NM_001379500.1(COL18A1):c.826G>A (p.Ala276Thr)

Gene: COL18A1 (collagen type XVIII alpha 1 chain; plus strand). Cytogenetic location: 21q22.3.
Variant type: single nucleotide variant.
Coding change: c.826G>A on transcript NM_001379500.1 (MANE Select); coding-DNA position 826, G replaced by A.
Protein change: p.Ala276Thr; replaces alanine 276 with threonine.
Molecular consequence: missense variant.
Genome position (GRCh38, 1-based): chr21:45,476,378, G>A. VCF-style: chr21-45476378-G-A. GRCh37 (hg19) VCF-style: chr21-46896292-G-A.
Other names: NM_130445.2:c.826G>A; c.1366G>A, p.Ala456Thr (NM_030582.4); c.2071G>A, p.Ala691Thr (NM_130444.3); short protein forms A456T, A691T, A276T.
Identifiers: ClinVar variation 1520940 (VCV001520940.5), dbSNP rs780610411, ClinGen allele CA10065948.